The following is an entry in ClinVar:

NM_001009944.3(PKD1):c.11759del (p.Arg3920fs)

Gene: PKD1 (polycystin 1, transient receptor potential channel interacting; minus strand). Cytogenetic location: 16p13.3.
Variant type: Deletion.
Coding change: c.11759del on transcript NM_001009944.3 (MANE Select); coding-DNA position 11759, one base deleted (G; older notation c.11759delG).
Protein change: p.Arg3920fs; shifts the reading frame from arginine 3920.
Molecular consequence: frameshift variant.
Genome position (GRCh38, 1-based): chr16:2,091,128, C deleted on the plus strand (G on the coding strand, the reverse complement: PKD1 is on the minus strand). VCF-style (leftmost placement, unchanged base first): chr16-2091127-AC-A. GRCh37 (hg19) VCF-style: chr16-2141128-AC-A.
Other names: c.11756del, p.Arg3919fs (NM_000296.4); short protein forms R3919fs, R3920fs.
Identifiers: ClinVar variation 4531535 (VCV004531535.1).
Genomic context (GRCh38, chr16:2,091,127, plus strand): 5'-CAGCCACCGCGCCCAGGCTCCGAGCCGCAGCACGCGCCAGCGCCCTTCCCTGTGCCAAGT[AC>A]GGGCCTCGGCCACGGCGAAGTGCACGGCGAACAGCAGCAGGCACACCTGTGGGGGGCGCG-3'

ClinVar aggregate classification (germline): Pathogenic (1 of 4 stars; one submission).

Conditions:
Polycystic kidney disease, adult type (PKD1). Also called: Polycystic Kidney, Autosomal Dominant; POLYCYSTIC KIDNEY DISEASE, ADULT, TYPE I; Polycystic Kidney Disease 1, Autosomal Dominant; Polycystic kidney disease 1; Polycystic kidney disease 1, severe; POLYCYSTIC KIDNEY DISEASE 1 WITH OR WITHOUT POLYCYSTIC LIVER DISEASE. Identifiers: MedGen C3149841, MONDO:0008263, OMIM 173900.

Submission:

Victorian Clinical Genetics Services, Murdoch Childrens Research Institute
Classification: Pathogenic for Polycystic kidney disease, adult type. Last evaluated: 2024-10-16. Review status: criteria provided, single submitter. Criteria: ACMG Guidelines, 2015. Collection method: clinical testing. Allele origin: germline. Affected: yes.
Comment: This variant is classified as Pathogenic. Evidence in support of pathogenic classification: Variant is predicted to cause nonsense-mediated decay (NMD) and loss of protein (premature termination codon is located at least 54 nucleotides upstream of the final exon-exon junction); Variant is absent from gnomAD (v2, v3 and v4); Other NMD-predicted variants comparable to the one identified in this case have very strong previous evidence for pathogenicity. Many NMD-predicted variants have been reported as pathogenic or likely pathogenic (ClinVar). Additional information: This variant is heterozygous; This gene is associated with autosomal dominant disease. Polycystic kidney disease 1 (MIM#173900) is predominantly caused by monoallelic variants, with rare reports of biallelic variants causing disease (OMIM); This variant has no previous evidence of pathogenicity; No published segregation evidence has been identified for this variant; No published functional evidence has been identified for this variant; Loss of function is a known mechanism of disease in this gene and is associated with polycystic kidney disease 1 (MIM#173900); Inheritance information for this variant is not currently available in this individual.